The following is an entry in ClinVar:

ClinVar aggregate classification (germline): Uncertain significance (1 of 4 stars; one submission).

Conditions:
Tuberous sclerosis 2 (TSC2). Identifiers: Orphanet 805, MedGen C1860707, MONDO:0013199, OMIM 613254.

Submission:

Labcorp Genetics (formerly Invitae), Labcorp
Classification: Uncertain significance for Tuberous sclerosis 2. Last evaluated: 2018-07-28. Review status: criteria provided, single submitter. Criteria: Invitae Variant Classification Sherloc (09022015). Collection method: clinical testing. Allele origin: germline.
Comment: This sequence change replaces aspartic acid with glutamic acid at codon 1690 of the TSC2 protein (p.Asp1690Glu). The aspartic acid residue is highly conserved and there is a small physicochemical difference between aspartic acid and glutamic acid. This variant is not present in population databases (ExAC no frequency). This variant has not been reported in the literature in individuals with TSC2-related disease. Algorithms developed to predict the effect of missense changes on protein structure and function are either unavailable or do not agree on the potential impact of this missense change (SIFT: "Tolerated"; PolyPhen-2: "Probably Damaging"; Align-GVGD: "Class C0"). In summary, the available evidence is currently insufficient to determine the role of this variant in disease. Therefore, it has been classified as a Variant of Uncertain Significance.

NM_000548.5(TSC2):c.5070C>A (p.Asp1690Glu)

Gene: TSC2 (TSC complex subunit 2; plus strand). Cytogenetic location: 16p13.3.
Variant type: single nucleotide variant.
Coding change: c.5070C>A on transcript NM_000548.5 (MANE Select); coding-DNA position 5070, C replaced by A.
Protein change: p.Asp1690Glu; replaces aspartic acid 1690 with glutamic acid.
Molecular consequence: missense variant.
Genome position (GRCh38, 1-based): chr16:2,088,049, C>A. VCF-style: chr16-2088049-C-A. GRCh37 (hg19) VCF-style: chr16-2138050-C-A.
Other names: c.4869C>A, p.Asp1623Glu (NM_001077183.3); c.5001C>A, p.Asp1667Glu (NM_001114382.3); c.4761C>A, p.Asp1587Glu (NM_001318827.2); c.4725C>A, p.Asp1575Glu (NM_001318829.2); c.4338C>A, p.Asp1446Glu (NM_001318831.2); c.4902C>A, p.Asp1634Glu (NM_001318832.2); c.4872C>A, p.Asp1624Glu (NM_001363528.2); c.4938C>A, p.Asp1646Glu (NM_001370404.1); and 1 more; short protein forms D1587E, D1646E, D1575E, D1624E, D1690E, D1446E, D1623E, D1634E.
Identifiers: ClinVar variation 644167 (VCV000644167.8), dbSNP rs1596457380, ClinGen allele CA394311885.